The following is an entry in ClinVar:

ClinVar aggregate classification (germline): Likely benign (0 of 4 stars; one submission).

Conditions:
NCAPD3-related disorder. Also called: NCAPD3-related condition.

Allele frequency attached by ClinVar (database versions not stated): gnomAD 0.00001; TOPMed 0.00004.
gnomAD v4.1: 103 of 1,603,416 alleles (0.0064%); highest among the groups gnomAD compares: Admixed American, 0.11%; 4 homozygotes.

Submission:

PreventionGenetics, part of Exact Sciences
Classification: Likely benign for NCAPD3-related condition. Last evaluated: 2019-05-01. Review status: no assertion criteria provided. Collection method: clinical testing. Allele origin: germline.
Comment: This variant is classified as likely benign based on ACMG/AMP sequence variant interpretation guidelines (Richards et al. 2015 PMID: 25741868, with internal and published modifications).

NM_015261.3(NCAPD3):c.2709G>A (p.Ala903=)

Gene: NCAPD3 (non-SMC condensin II complex subunit D3; minus strand). Cytogenetic location: 11q25.
Variant type: single nucleotide variant.
Coding change: c.2709G>A on transcript NM_015261.3 (MANE Select); coding-DNA position 2709, G replaced by A.
Protein change: p.Ala903=; no amino-acid change (alanine 903 retained).
Molecular consequence: synonymous variant.
Genome position (GRCh38, 1-based): chr11:134,178,707, C>T on the plus strand (G>A on the coding strand, the complement: NCAPD3 is on the minus strand). VCF-style: chr11-134178707-C-T. GRCh37 (hg19) VCF-style: chr11-134048602-C-T.
Other names: c.2709G>A, p.Ala903= (NM_001372065.1, NM_001372068.1); c.2295G>A, p.Ala765= (NM_001372069.1, NM_001372070.1).
Identifiers: ClinVar variation 3038337 (VCV003038337.2), dbSNP rs781447868, ClinGen allele CA6371163.